The following is an entry in ClinVar:

ClinVar aggregate classification (germline): Uncertain significance (1 of 4 stars; one submission).

Conditions:
Myopathy, proximal, and ophthalmoplegia (CMYO6). Also called: INCLUSION BODY MYOPATHY 3, AUTOSOMAL DOMINANT; CONGENITAL MYOPATHY 6 WITH OPHTHALMOPLEGIA; MYOPATHY WITH CONGENITAL JOINT CONTRACTURES, OPHTHALMOPLEGIA, AND RIMMED VACUOLES. Identifiers: Orphanet 363677, Orphanet 79091, MedGen C1854106, MONDO:0011577, OMIM 605637.

Submission:

Labcorp Genetics (formerly Invitae), Labcorp
Classification: Uncertain significance for Myopathy, proximal, and ophthalmoplegia. Last evaluated: 2017-03-07. Review status: criteria provided, single submitter. Criteria: Invitae Variant Classification Sherloc (09022015). Collection method: clinical testing. Allele origin: germline.
Comment: This sequence change replaces lysine with arginine at codon 453 of the MYH2 protein (p.Lys453Arg). The lysine residue is highly conserved and there is a small physicochemical difference between lysine and arginine. This variant is not present in population databases (ExAC no frequency) and has not been reported in the literature in individuals with a MYH2-related disease. Algorithms developed to predict the effect of missense changes on protein structure and function do not agree on the potential impact of this missense change (SIFT: "Deleterious"; PolyPhen-2: "Benign"; Align-GVGD: "Class C25"). In summary, this variant is a novel missense change with uncertain impact on protein function. It has been classified as a Variant of Uncertain Significance.

NM_017534.6(MYH2):c.1358A>G (p.Lys453Arg)

Genes: MYH2 (myosin heavy chain 2; minus strand), MYHAS (myosin heavy chain gene cluster antisense RNA; plus strand). Cytogenetic location: 17p13.1.
Variant type: single nucleotide variant.
Coding change: c.1358A>G on transcript NM_017534.6 (MANE Select); coding-DNA position 1358, A replaced by G.
Protein change: p.Lys453Arg; replaces lysine 453 with arginine.
Molecular consequence: missense variant.
Genome position (GRCh38, 1-based): chr17:10,539,263, T>C on the plus strand (A>G on the coding strand, the complement: MYH2 is on the minus strand). VCF-style: chr17-10539263-T-C. GRCh37 (hg19) VCF-style: chr17-10442580-T-C.
Other names: c.1358A>G, p.Lys453Arg (NM_001100112.2); short protein forms K453R.
Identifiers: ClinVar variation 465922 (VCV000465922.1), dbSNP rs1555571482, ClinGen allele CA398158933.
Genomic context (GRCh38, chr17:10,539,263, plus strand): 5'-ACATCAAAAATCTCAAAACCAGCAATGTCCAAGACCCCGATGAAGTACTGCCTGGGCTGC[T>C]TGGTGTCCAGCTGCTGGTTGATGCGGGCAACCATCCACAGGAACATCTTCTCGTAGACGG-3'
Protein context (NP_060004.3, residues 443-463): VARINQQLDT[Lys453Arg]QPRQYFIGVL